The following is an entry in ClinVar:

ClinVar aggregate classification (germline): Likely benign. Review status: criteria provided, multiple submitters, no conflicts (2 of 4 stars). 2 submissions from 2 submitters: Likely benign (2). Last evaluated 2024-08-29.

Conditions:
Oligodontia-cancer predisposition syndrome. Also called: TOOTH AGENESIS-COLORECTAL CANCER SYNDROME. Identifiers: Orphanet 300576, MedGen C1837750, MONDO:0012075, OMIM 608615. Disease mechanism: loss of function.

Submissions (2):

Labcorp Genetics (formerly Invitae), Labcorp
Classification: Likely benign for Oligodontia-cancer predisposition syndrome. Last evaluated: 2024-08-29. Review status: criteria provided, single submitter. Criteria: Invitae Variant Classification Sherloc (09022015). Collection method: clinical testing. Allele origin: germline.

Myriad Genetics, Inc.
Classification: Likely benign for Oligodontia-cancer predisposition syndrome. Last evaluated: 2024-07-11. Review status: criteria provided, single submitter. Criteria: Myriad Autosomal Dominant, Autosomal Recessive and X-Linked Classification Criteria (2023). Collection method: clinical testing. Allele origin: unknown.
Comment: This variant is considered likely benign. This variant is intronic and is not expected to impact mRNA splicing.

NM_004655.4(AXIN2):c.2406-19T>C

Gene: AXIN2 (axin 2; minus strand). Cytogenetic location: 17q24.1.
Variant type: single nucleotide variant.
Coding change: c.2406-19T>C on transcript NM_004655.4 (MANE Select); 19 bases into the intron before coding-DNA position 2406, T replaced by C.
Molecular consequence: intron variant.
Genome position (GRCh38, 1-based): chr17:65,530,121, A>G on the plus strand (T>C on the coding strand, the complement: AXIN2 is on the minus strand). VCF-style: chr17-65530121-A-G. GRCh37 (hg19) VCF-style: chr17-63526239-A-G.
Other names: c.2211-19T>C (NM_001363813.1).
Identifiers: ClinVar variation 3378944 (VCV003378944.3).